The following is an entry in ClinVar:

NM_144991.3(TSPEAR):c.401G>T (p.Arg134Leu)

Gene: TSPEAR (thrombospondin type laminin G domain and EAR repeats; minus strand). Cytogenetic location: 21q22.3.
Variant type: single nucleotide variant.
Coding change: c.401G>T on transcript NM_144991.3 (MANE Select); coding-DNA position 401, G replaced by T.
Protein change: p.Arg134Leu; replaces arginine 134 with leucine.
Molecular consequence: missense variant.
Genome position (GRCh38, 1-based): chr21:44,533,826, C>A on the plus strand (G>T on the coding strand, the complement: TSPEAR is on the minus strand). VCF-style: chr21-44533826-C-A. GRCh37 (hg19) VCF-style: chr21-45953709-C-A.
Other names: c.197G>T, p.Arg66Leu (NM_001272037.2); c.401G>T (NM_144991.2); short protein forms R66L, R134L.
Identifiers: ClinVar variation 2070378 (VCV002070378.3), dbSNP rs782300870, ClinGen allele CA10057034.

ClinVar aggregate classification (germline): Uncertain significance. Review status: criteria provided, multiple submitters, no conflicts (2 of 4 stars). 2 submissions from 2 submitters: Uncertain significance (2). Last evaluated 2023-02-17.

Conditions:
Inborn genetic diseases. Identifiers: MedGen C0950123, MeSH D030342.

Submissions (2):

Ambry Genetics
Classification: Uncertain significance for Inborn genetic diseases. Last evaluated: 2023-02-17. Review status: criteria provided, single submitter. Criteria: Ambry Variant Classification Scheme 2023. Collection method: clinical testing. Allele origin: germline.

Labcorp Genetics (formerly Invitae), Labcorp
Classification: Uncertain significance. Last evaluated: 2022-03-15. Review status: criteria provided, single submitter. Criteria: Invitae Variant Classification Sherloc (09022015). Collection method: clinical testing. Allele origin: germline.
Comment: This variant has not been reported in the literature in individuals affected with TSPEAR-related conditions. Algorithms developed to predict the effect of missense changes on protein structure and function (SIFT, PolyPhen-2, Align-GVGD) all suggest that this variant is likely to be tolerated. In summary, the available evidence is currently insufficient to determine the role of this variant in disease. Therefore, it has been classified as a Variant of Uncertain Significance.